The following is an entry in ClinVar:

ClinVar aggregate classification (germline): Uncertain significance (1 of 4 stars; one submission).

Submission:

Women's Health and Genetics/Laboratory Corporation of America, LabCorp
Classification: Uncertain significance. Last evaluated: 2024-01-10. Review status: criteria provided, single submitter. Criteria: LabCorp Variant Classification Summary - May 2015. Collection method: clinical testing. Allele origin: germline.
Comment: Variant summary: The variant involves the duplication of exons 1-12 in the SLC1A1 gene. This duplication includes the entire coding sequence of the gene. As exact breakpoints are unknown, it may extend beyond the annotated region of the gene, to include other flanking genes. A presumed nomenclature of c.(?_-213)_(*1912_?)dup has been designated for the purposes of this classification. The variant was absent in 21692 control chromosomes (gnomAD, Structural variants dataset). The available data on variant occurrences in the general population are insufficient to allow any conclusion about variant significance. Similar duplications have been reported in the literature in individuals affected with Autism spectrum disorder (Girirajan_2013) and Poland Syndrome (Vaccari_2016). These report(s) do not provide unequivocal conclusions about association of the variant with SLC1A1-Related Disorders. To our knowledge, no experimental evidence demonstrating an impact on protein function has been reported. The following publications have been ascertained in the context of this evaluation (PMID: 27884122, 23375656). ClinVar contains an entry for this variant (Variation ID: 1341105). Based on the evidence outlined above, the variant was classified as uncertain significance.

Literature cited by the submitters: PubMed 23375656; PubMed 27884122.

NC_000009.11:g.(?_4490467)_(4587470_?)dup

Gene: SLC1A1 (solute carrier family 1 member 1; plus strand). Cytogenetic location: 9p24.2.
Variant type: Duplication.
Identifiers: ClinVar variation 3063832 (VCV003063832.1).